The following is an entry in ClinVar:

ClinVar aggregate classification (germline): Uncertain significance (1 of 4 stars; one submission).

Conditions:
Familial cancer of breast. Also called: hereditary breast carcinoma; BREAST CANCER, FAMILIAL; Hereditary breast cancer. Identifiers: Orphanet 227535, MedGen C0346153, MONDO:0016419, OMIM 114480. Disease mechanism: loss of function.
Fanconi anemia complementation group J. Also called: BRIP1-Related Fanconi Anemia. Identifiers: Orphanet 84, MedGen C1836860, MONDO:0012187, OMIM 609054.

Submission:

Labcorp Genetics (formerly Invitae), Labcorp
Classification: Uncertain significance for Familial cancer of breast; Fanconi anemia complementation group J. Last evaluated: 2022-06-08. Review status: criteria provided, single submitter. Criteria: Invitae Variant Classification Sherloc (09022015). Collection method: clinical testing. Allele origin: germline.
Comment: In summary, the available evidence is currently insufficient to determine the role of this variant in disease. Therefore, it has been classified as a Variant of Uncertain Significance. Algorithms developed to predict the effect of sequence changes on RNA splicing suggest that this variant may create or strengthen a splice site. Experimental studies and prediction algorithms are not available or were not evaluated, and the functional significance of this variant is currently unknown. ClinVar contains an entry for this variant (Variation ID: 641888). This variant has not been reported in the literature in individuals affected with BRIP1-related conditions. This variant is not present in population databases (gnomAD no frequency). This variant, c.3404_3405insCAG, is a complex sequence change that results in the insertion of 2 amino acid(s) in the BRIP1 protein (p.Glu1135delinsAspArg).

NM_032043.3(BRIP1):c.3404_3405insCAG (p.Glu1135delinsAspArg)

Gene: BRIP1 (BRCA1 interacting DNA helicase 1; minus strand). Cytogenetic location: 17q23.2.
Variant type: Insertion.
Coding change: c.3404_3405insCAG on transcript NM_032043.3 (MANE Select); coding-DNA positions 3404 to 3405, CAG inserted.
Protein change: p.Glu1135delinsAspArg.
Molecular consequence: inframe indel.
Genome position: GRCh38 VCF-style: chr17-61683641-T-TCTG. GRCh37 (hg19) VCF-style: chr17-59761002-T-TCTG.
Identifiers: ClinVar variation 641888 (VCV000641888.11), dbSNP rs1603275121, ClinGen allele CA915950684.